The following is an entry in ClinVar:

NM_001039141.3(TRIOBP):c.1420C>T (p.Arg474Ter)

Gene: TRIOBP (TRIO and F-actin binding protein; plus strand). Cytogenetic location: 22q13.1.
Variant type: single nucleotide variant.
Coding change: c.1420C>T on transcript NM_001039141.3 (MANE Select); coding-DNA position 1420, C replaced by T.
Protein change: p.Arg474Ter; replaces arginine 474 with a stop codon.
Molecular consequence: nonsense.
Genome position (GRCh38, 1-based): chr22:37,723,976, C>T. VCF-style: chr22-37723976-C-T. GRCh37 (hg19) VCF-style: chr22-38119983-C-T.
Other names: short protein forms R474*.
Identifiers: ClinVar variation 1415075 (VCV001415075.6), dbSNP rs1225633423, ClinGen allele CA411460457.

ClinVar aggregate classification (germline): Pathogenic (1 of 4 stars; one submission).

Submission:

Labcorp Genetics (formerly Invitae), Labcorp
Classification: Pathogenic. Last evaluated: 2024-02-05. Review status: criteria provided, single submitter. Criteria: Invitae Variant Classification Sherloc (09022015). Collection method: clinical testing. Allele origin: germline.
Comment: This sequence change creates a premature translational stop signal (p.Arg474*) in the TRIOBP gene. It is expected to result in an absent or disrupted protein product. Loss-of-function variants in TRIOBP are known to be pathogenic (PMID: 16385457, 16385458, 20510926). This variant is present in population databases (no rsID available, gnomAD 0.003%). This premature translational stop signal has been observed in individual(s) with TRIOBP-related conditions (PMID: 28089734). ClinVar contains an entry for this variant (Variation ID: 1415075). For these reasons, this variant has been classified as Pathogenic.

Literature cited by the submitters: PubMed 16385457; PubMed 16385458; PubMed 20510926; PubMed 28089734.